The following is an entry in ClinVar:

ClinVar aggregate classification (germline): Benign. Review status: criteria provided, multiple submitters, no conflicts (2 of 4 stars). 3 submissions from 2 submitters: Benign (3). Last evaluated 2018-01-13.

Conditions:
Neuroblastoma, susceptibility to, 2. Identifiers: Orphanet 635, MedGen C2751682, MONDO:0700041, OMIM 613013.
Congenital central hypoventilation. Also called: Congenital Central Hypoventilation Syndrome. Identifiers: Orphanet 661, Orphanet 99803, MedGen C1275808, MONDO:0800031. Disease mechanism: gain of function.

Allele frequency attached by ClinVar (database versions not stated): gnomAD exomes 0.33900; 1000 Genomes Project 0.42432; TOPMed 0.43003; gnomAD 0.43057 and 0.43664; 1000 Genomes Project 30x 0.43348.
gnomAD v4.1: 92,305 of 231,700 alleles (40%); highest among the groups gnomAD compares: African/African-American, 71%; 21,373 homozygotes.

Submissions (3):

Illumina Laboratory Services, Illumina
Classification: Benign for Central hypoventilation syndrome, congenital, 1, with or without Hirschsprung disease. Last evaluated: 2018-01-13. Review status: criteria provided, single submitter. Criteria: ICSL Variant Classification Criteria 13 December 2019. Collection method: clinical testing. Allele origin: germline.
Comment: This variant was observed in the ICSL laboratory as part of a predisposition screen in an ostensibly healthy population. It had not been previously curated by ICSL or reported in the Human Gene Mutation Database (HGMD: prior to June 1st, 2018), and was therefore a candidate for classification through an automated scoring system. Utilizing variant allele frequency, disease prevalence and penetrance estimates, and inheritance mode, an automated score was calculated to assess if this variant is too frequent to cause the disease. Based on the score and internal cut-off values, a variant classified as benign is not then subjected to further curation. The score for this variant resulted in a classification of benign for this disease.

Illumina Laboratory Services, Illumina
Classification: Benign for Neuroblastoma, susceptibility to, 2. Last evaluated: 2018-01-13. Review status: criteria provided, single submitter. Criteria: ICSL Variant Classification Criteria 13 December 2019. Collection method: clinical testing. Allele origin: germline.
Comment: the same text as in the submission from Illumina Laboratory Services, Illumina above.

Breakthrough Genomics
Classification: Benign. Review status: criteria provided, single submitter. Criteria: ACMG Guidelines, 2015. Collection method: not provided. Allele origin: germline. Inheritance: Autosomal dominant inheritance. Affected: yes.

NM_003924.4(PHOX2B):c.*1364G>A

Gene: PHOX2B (paired like homeobox 2B; minus strand). Cytogenetic location: 4p13.
Variant type: single nucleotide variant.
Coding change: c.*1364G>A on transcript NM_003924.4 (MANE Select); 1364 bases downstream of the stop codon, G replaced by A.
Molecular consequence: 3 prime UTR variant.
Genome position (GRCh38, 1-based): chr4:41,744,443, C>T on the plus strand (G>A on the coding strand, the complement: PHOX2B is on the minus strand). VCF-style: chr4-41744443-C-T. GRCh37 (hg19) VCF-style: chr4-41746460-C-T.
Identifiers: ClinVar variation 348787 (VCV000348787.6), dbSNP rs6826373, ClinGen allele CA10621084.